The following is an entry in ClinVar:

ClinVar aggregate classification (germline): Benign. Review status: criteria provided, single submitter (1 of 4 stars). 2 submissions from 2 submitters: Benign (1). 1 of the submissions does not count toward it. Last evaluated 2025-09-02.

Conditions:
AMER1-related disorder. Also called: AMER1-related condition.

Allele frequency attached by ClinVar (database versions not stated): gnomAD exomes 0.00006 and 0.00011; ExAC 0.00014; 1000 Genomes Project 30x 0.00021; 1000 Genomes Project 0.00026; gnomAD 0.00065 and 0.00071; TOPMed 0.00070; ESP Exome Variant Server 0.00095.
gnomAD v4.1: 134 of 1,210,152 alleles (0.011%); highest among the groups gnomAD compares: African/African-American, 0.23%; no homozygotes.

Submissions (2):

Labcorp Genetics (formerly Invitae), Labcorp
Classification: Benign. Last evaluated: 2025-09-02. Review status: criteria provided, single submitter. Criteria: Invitae Variant Classification Sherloc (09022015). Collection method: clinical testing. Allele origin: germline.

PreventionGenetics, part of Exact Sciences
Classification: Likely benign for AMER1-related condition. Last evaluated: 2019-07-30. Review status: no assertion criteria provided. Collection method: clinical testing. Allele origin: germline. Not counted in ClinVar's aggregate classification.
Comment: This variant is classified as likely benign based on ACMG/AMP sequence variant interpretation guidelines (Richards et al. 2015 PMID: 25741868, with internal and published modifications).

NM_152424.4(AMER1):c.1092C>T (p.Thr364=)

Gene: AMER1 (APC membrane recruitment protein 1; minus strand). Cytogenetic location: Xq11.2.
Variant type: single nucleotide variant.
Coding change: c.1092C>T on transcript NM_152424.4 (MANE Select); coding-DNA position 1092, C replaced by T.
Protein change: p.Thr364=; no amino-acid change (threonine 364 retained).
Molecular consequence: synonymous variant.
Genome position (GRCh38, 1-based): chrX:64,192,195, G>A on the plus strand (C>T on the coding strand, the complement: AMER1 is on the minus strand). VCF-style: chrX-64192195-G-A. GRCh37 (hg19) VCF-style: chrX-63412075-G-A.
Identifiers: ClinVar variation 722641 (VCV000722641.11), dbSNP rs147491414, ClinGen allele CA10432393.
Genomic context (GRCh38, chrX:64,192,195, plus strand): 5'-CTCTTCTTCCTCCTCGTCATCATCATCTGGCAAGGCCATCTCCTCCCCACCTCCTTGGTA[G>A]GTCACCAGGCAGGAACTTCGCTTGGTCCCATCTCGGTTTGCTCTCTGGCCCCCAGAGGCC-3'
Protein context (NP_689637.3, residues 354-374): DGTKRSSCLV[Thr364=]YQGGGEEMAL